The following is an entry in ClinVar:

NM_001204.7(BMPR2):c.2962A>C (p.Thr988Pro)

Gene: BMPR2 (bone morphogenetic protein receptor type 2; plus strand). Cytogenetic location: 2q33.2.
Variant type: single nucleotide variant.
Coding change: c.2962A>C on transcript NM_001204.7 (MANE Select); coding-DNA position 2962, A replaced by C.
Protein change: p.Thr988Pro; replaces threonine 988 with proline.
Molecular consequence: missense variant.
Genome position (GRCh38, 1-based): chr2:202,559,791, A>C. VCF-style: chr2-202559791-A-C. GRCh37 (hg19) VCF-style: chr2-203424514-A-C.
Other names: short protein forms T988P.
Identifiers: ClinVar variation 5033095 (VCV005033095.1).

ClinVar aggregate classification (germline): Uncertain significance (1 of 4 stars; one submission).

Conditions:
Inborn genetic diseases. Identifiers: MedGen C0950123, MeSH D030342.

gnomAD v4.1: 6 of 1,613,970 alleles (0.00037%); highest among the groups gnomAD compares: Non-Finnish European, 0.00051%; no homozygotes.

Submission:

Ambry Genetics
Classification: Uncertain significance for Inborn genetic diseases. Last evaluated: 2026-07-19. Review status: criteria provided, single submitter. Criteria: Ambry Variant Classification Scheme 2023. Collection method: clinical testing. Allele origin: germline.
Comment: The p.T988P variant (also known as c.2962A>C), located in coding exon 13 of the BMPR2 gene, results from an A to C substitution at nucleotide position 2962. The threonine at codon 988 is replaced by proline, an amino acid with highly similar properties. This amino acid position is conserved. In addition, this alteration is predicted to be deleterious by in silico analysis. Based on the available evidence, the clinical significance of this variant remains unclear.